The following is an entry in ClinVar:

NM_001103.4(ACTN2):c.1107+123T>C

Gene: ACTN2 (actinin alpha 2; plus strand). Cytogenetic location: 1q43.
Variant type: single nucleotide variant.
Coding change: c.1107+123T>C on transcript NM_001103.4 (MANE Select); 123 bases into the intron after coding-DNA position 1107, T replaced by C.
Molecular consequence: intron variant.
Genome position (GRCh38, 1-based): chr1:236,739,655, T>C. VCF-style: chr1-236739655-T-C. GRCh37 (hg19) VCF-style: chr1-236902955-T-C.
Other names: c.483+123T>C (NM_001278344.2); c.1107+123T>C (NM_001278343.2).
Identifiers: ClinVar variation 672006 (VCV000672006.2), dbSNP rs7544174, ClinGen allele CA10976511.
Genomic context (GRCh38, chr1:236,739,655, plus strand): 5'-TTTGACCTGGGTCAGGAGGAGGCATTGACTTCTTGAATCTTTTTAGTTGTGTGAATATCA[T>C]TTTGGCCCTGTAACCACTTTGTTCTTAATACTTTTCTCCCAACCATCATGTACTTCTTGA-3'

ClinVar aggregate classification (germline): Benign. Review status: criteria provided, multiple submitters, no conflicts (2 of 4 stars). 2 submissions from 2 submitters: Benign (2). Last evaluated 2018-06-14.

Allele frequency attached by ClinVar (database versions not stated): 1000 Genomes Project 30x 0.41177; 1000 Genomes Project 0.42073; TOPMed 0.47942; gnomAD 0.50675 and 0.51032.
gnomAD v4.1: 723,614 of 1,181,902 alleles (61%); highest among the groups gnomAD compares: Non-Finnish European, 66%; 231,053 homozygotes.

Submissions (2):

GeneDx
Classification: Benign. Last evaluated: 2018-06-14. Review status: criteria provided, single submitter. Criteria: GeneDx Variant Classification (06012015). Collection method: clinical testing. Allele origin: germline. Affected: yes.
Comment: This variant is considered likely benign or benign based on one or more of the following criteria: it is a conservative change, it occurs at a poorly conserved position in the protein, it is predicted to be benign by multiple in silico algorithms, and/or has population frequency not consistent with disease.

Breakthrough Genomics
Classification: Benign. Review status: criteria provided, single submitter. Criteria: ACMG Guidelines, 2015. Collection method: not provided. Allele origin: germline. Inheritance: Autosomal dominant inheritance. Affected: yes.